The following is an entry in ClinVar:

NM_000388.4(CASR):c.2030del (p.Cys677fs)

Gene: CASR (calcium sensing receptor; plus strand). Cytogenetic location: 3q21.1.
Variant type: Deletion.
Coding change: c.2030del on transcript NM_000388.4 (MANE Select); coding-DNA position 2030, one base deleted (G; older notation c.2030delG).
Protein change: p.Cys677fs; shifts the reading frame from cysteine 677.
Molecular consequence: frameshift variant.
Genome position (GRCh38, 1-based): chr3:122,283,984, G deleted. VCF-style (leftmost placement, unchanged base first): chr3-122283983-TG-T. GRCh37 (hg19) VCF-style: chr3-122002830-TG-T.
Other names: c.2060del, p.Cys687fs (NM_001178065.2); short protein forms C677fs, C687fs.
Identifiers: ClinVar variation 1377560 (VCV001377560.8), dbSNP rs2107649818, ClinGen allele CA2573136458.

ClinVar aggregate classification (germline): Pathogenic (1 of 4 stars; one submission).

Conditions:
Familial hypocalciuric hypercalcemia (FHH). Also called: Familial benign hypercalcemia. Identifiers: Orphanet 405, MedGen C1809471, MONDO:0018458.
Autosomal dominant hypocalcemia 1 (HYPOC1). Also called: HYPOCALCEMIA, FAMILIAL. Identifiers: MedGen C3715128, MONDO:0011013, OMIM 601198.

Submission:

Labcorp Genetics (formerly Invitae), Labcorp
Classification: Pathogenic for Familial hypocalciuric hypercalcemia; Autosomal dominant hypocalcemia 1. Last evaluated: 2020-11-04. Review status: criteria provided, single submitter. Criteria: Invitae Variant Classification Sherloc (09022015). Collection method: clinical testing. Allele origin: germline.
Comment: For these reasons, this variant has been classified as Pathogenic. This variant disrupts the C-terminus of the CASR protein. Other variant(s) that disrupt this region (p.Lys882fs) have been determined to be pathogenic (PMID: 7717399, 9217223, 9109436, 20374733). This suggests that variants that disrupt this region of the protein are likely to be causative of disease. This variant has not been reported in the literature in individuals with CASR-related conditions. This variant is not present in population databases (ExAC no frequency). This sequence change creates a premature translational stop signal (p.Cys677Serfs*21) in the CASR gene. While this is not anticipated to result in nonsense mediated decay, it is expected to disrupt the last 402 amino acid(s) of the CASR protein.

Literature cited by the submitters: PubMed 7717399; PubMed 9217223; PubMed 9109436; PubMed 20374733.